The following is an entry in ClinVar:

NM_001844.5(COL2A1):c.1228C>T (p.Pro410Ser)

Gene: COL2A1 (collagen type II alpha 1 chain; minus strand). Cytogenetic location: 12q13.11.
Variant type: single nucleotide variant.
Coding change: c.1228C>T on transcript NM_001844.5 (MANE Select); coding-DNA position 1228, C replaced by T.
Protein change: p.Pro410Ser; replaces proline 410 with serine.
Molecular consequence: missense variant.
Genome position (GRCh38, 1-based): chr12:47,987,307, G>A on the plus strand (C>T on the coding strand, the complement: COL2A1 is on the minus strand). VCF-style: chr12-47987307-G-A. GRCh37 (hg19) VCF-style: chr12-48381090-G-A.
Other names: c.1021C>T, p.Pro341Ser (NM_033150.3); short protein forms P341S, P410S.
Identifiers: ClinVar variation 4760382 (VCV004760382.1).

ClinVar aggregate classification (germline): Uncertain significance (1 of 4 stars; one submission).

Submission:

Labcorp Genetics (formerly Invitae), Labcorp
Classification: Uncertain significance. Last evaluated: 2025-06-27. Review status: criteria provided, single submitter. Criteria: Invitae Variant Classification Sherloc (09022015). Collection method: clinical testing. Allele origin: germline.
Comment: This sequence change replaces proline, which is neutral and non-polar, with serine, which is neutral and polar, at codon 410 of the COL2A1 protein (p.Pro410Ser). This variant is not present in population databases (gnomAD no frequency). This variant has not been reported in the literature in individuals affected with COL2A1-related conditions. Invitae Evidence Modeling of protein sequence and biophysical properties (such as structural, functional, and spatial information, amino acid conservation, physicochemical variation, residue mobility, and thermodynamic stability) indicates that this missense variant is not expected to disrupt COL2A1 protein function with a negative predictive value of 95%. In summary, the available evidence is currently insufficient to determine the role of this variant in disease. Therefore, it has been classified as a Variant of Uncertain Significance.